The following is an entry in ClinVar:

ClinVar aggregate classification (germline): Pathogenic/Likely pathogenic. Review status: criteria provided, multiple submitters, no conflicts (2 of 4 stars). 2 submissions from 2 submitters: Pathogenic (1); Likely pathogenic (1). Last evaluated 2025-09-10.

Conditions:
Sotos syndrome (SOTOS). Also called: Distinctive facial appearance, overgrowth in childhood, and learning disabilities or delayed development; SOTOS SYNDROME 1; Sotos' syndrome; CHROMOSOME 5q35 DELETION SYNDROME; CEREBRAL GIGANTISM. Identifiers: Orphanet 821, MedGen C0175695, MONDO:0019349, OMIM 117550.
Beckwith-Wiedemann syndrome (BWS). Also called: EMG SYNDROME; Exomphalos macroglossia gigantism syndrome. Identifiers: Orphanet 116, MedGen C0004903, MONDO:0007534, OMIM 130650.

Submissions (2):

3billion
Classification: Pathogenic for Sotos syndrome. Last evaluated: 2025-09-10. Review status: criteria provided, single submitter. Criteria: ACMG Guidelines, 2015. Collection method: clinical testing. Allele origin: germline. Affected: yes.
Comment: The variant is not observed in the gnomAD v4.1.0 dataset. Predicted Consequence/Location: Stop-gained (nonsense): predicted to result in a loss or disruption of normal protein function through nonsense-mediated decay (NMD) or protein truncation. Multiple pathogenic variants are reported downstream of the variant. The variant has been previously reported as de novo in a similarly affected individual (PMID: 25326637). The variant has been reported to be associated with NSD1-related disorder (ClinVar ID: VCV000216977 /PMID: 25326637). Therefore, this variant is classified as Pathogenic according to the recommendation of ACMG/AMP guideline.

UCLA Clinical Genomics Center, UCLA
Classification: Likely pathogenic for Beckwith-Wiedemann syndrome; Sotos syndrome 1. Last evaluated: 2013-07-30. Review status: criteria provided, single submitter. Criteria: Lee et al. (JAMA. 2014). Collection method: clinical testing. Allele origin: de novo. Inheritance: Autosomal dominant inheritance. Affected: yes. Study: CES.

Literature cited by the submitters: PubMed 25326637 (cited by 3billion).

NM_022455.5(NSD1):c.2350C>T (p.Gln784Ter)

Gene: NSD1 (nuclear receptor binding SET domain protein 1; plus strand). Cytogenetic location: 5q35.3.
Variant type: single nucleotide variant.
Coding change: c.2350C>T on transcript NM_022455.5 (MANE Select); coding-DNA position 2350, C replaced by T.
Protein change: p.Gln784Ter; replaces glutamine 784 with a stop codon.
Molecular consequence: nonsense.
Genome position (GRCh38, 1-based): chr5:177,210,749, C>T. VCF-style: chr5-177210749-C-T. GRCh37 (hg19) VCF-style: chr5-176637750-C-T.
Other names: c.1477C>T, p.Gln493Ter (NM_001365684.2, NM_172349.5, NM_001409306.1 and 3 more transcripts); c.2350C>T, p.Gln784Ter (NM_001409301.1, NM_001409302.1, NM_001409303.1); c.1930C>T, p.Gln644Ter (NM_001409304.1); c.1597C>T, p.Gln533Ter (NM_001409305.1); short protein forms Q784*, Q515*, Q493*, Q533*, Q644*.
Identifiers: ClinVar variation 216977 (VCV000216977.3), dbSNP rs374740802, ClinGen allele CA319766.
Genomic context (GRCh38, chr5:177,210,749, plus strand): 5'-GAGAACTCGTTAATAAAGGGTGGGGCAGCAAATCAAGCTCTATTACATTCGAAAAGCAAA[C>T]AGCCCAAGTTCCGAAGTATAAAGTGCAAACACAAAGAAAATCCAGTTATGGCAGAACCCC-3'